The following is an entry in ClinVar:

NM_018384.5(GIMAP5):c.611T>C (p.Leu204Pro)

Genes: GIMAP5 (GTPase, IMAP family member 5; plus strand), GIMAP1-GIMAP5 (GIMAP1-GIMAP5 readthrough; plus strand). Cytogenetic location: 7q36.1.
Variant type: single nucleotide variant.
Coding change: c.611T>C on transcript NM_018384.5 (MANE Select); coding-DNA position 611, T replaced by C.
Protein change: p.Leu204Pro; replaces leucine 204 with proline.
Molecular consequence: missense variant.
Genome position (GRCh38, 1-based): chr7:150,742,750, T>C. VCF-style: chr7-150742750-T-C. GRCh37 (hg19) VCF-style: chr7-150439838-T-C.
Other names: GIMAP5, LEU204PRO (rs72650695); L204P; c.1223T>C, p.Leu408Pro (NM_001199577.2); c.839T>C, p.Leu280Pro (NM_001303630.2); short protein forms L280P, L408P.
Identifiers: ClinVar variation 1188820 (VCV001188820.28), dbSNP rs72650695, ClinGen allele CA4565048.

ClinVar aggregate classification (germline): Conflicting classifications of pathogenicity. Review status: criteria provided, conflicting classifications (1 of 4 stars). 6 submissions from 6 submitters: Pathogenic (1); Likely pathogenic (2); Likely benign (1). 2 of the submissions do not count toward it. Last evaluated 2026-02-01.

Conditions:
Portal hypertension. Identifiers: MedGen C0020541, MeSH D006975, MONDO:0005080, HP:0001409.
Portal hypertension, noncirrhotic, 2. Identifiers: MedGen C5561948, MONDO:0030397, OMIM 619463.

Allele frequency attached by ClinVar (database versions not stated): 1000 Genomes Project 0.00060; 1000 Genomes Project 30x 0.00078; TOPMed 0.00161; gnomAD 0.00189 and 0.00190; gnomAD exomes 0.00204 and 0.00293; ExAC 0.00208; ESP Exome Variant Server 0.00246.

Submissions (6):

CeGaT Center for Human Genetics Tuebingen
Classification: Likely benign. Last evaluated: 2026-02-01. Review status: criteria provided, single submitter. Criteria: CeGaT Center For Human Genetics Tuebingen Variant Classification Criteria Version 2. Collection method: clinical testing. Allele origin: germline. Affected: yes. Observed: 2 variant alleles.
Comment: GIMAP1-GIMAP5: BP4, BS2

First Genomix Gene Laboratory, Genetic Diagnostics Department
Classification: Likely pathogenic for Portal hypertension, noncirrhotic, 2. Last evaluated: 2025-01-17. Review status: criteria provided, single submitter. Criteria: ACMG Guidelines, 2015. Collection method: clinical testing. Allele origin: germline. Inheritance: Autosomal recessive inheritance. Affected: no. Observed: 1 variant allele.

Women's Health and Genetics/Laboratory Corporation of America, LabCorp
Classification: Likely pathogenic for Portal hypertension, noncirrhotic, 2. Last evaluated: 2024-01-04. Review status: criteria provided, single submitter. Criteria: LabCorp Variant Classification Summary - May 2015. Collection method: clinical testing. Allele origin: germline.
Comment: Variant summary: GIMAP5 c.611T>C (p.Leu204Pro) results in a non-conservative amino acid change located in the AIG1-type guanine nucleotide-binding (G) domain (IPR006703) of the encoded protein sequence. Four of five in-silico tools predict a damaging effect of the variant on protein function. The variant allele was found at a frequency of 0.002 in 251010 control chromosomes in the gnomAD database, including 1 homozygotes. c.611T>C has been reported in the literature in a homozygous individuals affected with GIMAP5-associated hypertension. T cells isolated from this patient had complete loss of GIMAP5 protein expression, reduced T cell proliferation which was restored upon pharmacological targeting of GSK3. (example: Patterson_2018, and Drewieck_GIMAP5_JEM_2021). These data indicate that the variant may be associated with disease. The following publications have been ascertained in the context of this evaluation (PMID: 33956074, 29382851, 35753512).Three submitters have cited clinical-significance assessments for this variant to ClinVar after 2014 and classified the variant as pathogenic/likely pathogenic (n=2) and likely benign (n=1). Based on the evidence outlined above, the variant was classified as likely pathogenic.

Neuberg Centre For Genomic Medicine, NCGM
Classification: Pathogenic for Portal hypertension, noncirrhotic, 2. Last evaluated: 2023-02-14. Review status: criteria provided, single submitter. Criteria: ACMG Guidelines, 2015. Collection method: clinical testing. Allele origin: germline. Inheritance: Autosomal recessive inheritance. Affected: yes.
Comment: The missense c.611T>C (p.Leu204Pro) in GIMAP5 gene has been reported previously in homozygous state in individuals affected with GIMAP5-associated hypertension (Patterson et al. 2018; Drzewiecki et al. 2021). Experimental studies demonstrated an undetectable protein expression of both GIMAP5 isoforms for this variant (Patterson et al. 2018). This variant is reported with an allele frequency of 0.2% in the gnomAD exomes database. This variant has been reported to the ClinVar database as Likely Pathogenic / Pathogenic. The amino acid change p.Leu204Pro in GIMAP5 is predicted as conserved by GERP++ and PhyloP across 100 vertebrates. The amino acid Leu at position 204 is changed to a Pro changing protein sequence and it might alter its composition and physico-chemical properties. For these reasons, this variant has been classified as Pathogenic.

OMIM
Classification: Pathogenic for PORTAL HYPERTENSION, NONCIRRHOTIC, 2. Last evaluated: 2021-08-02. Review status: no assertion criteria provided. Collection method: literature only. Allele origin: germline. Not counted in ClinVar's aggregate classification.

Yale Center for Mendelian Genomics, Yale University
Classification: Likely pathogenic for Portal hypertension. Last evaluated: 2021-05-06. Review status: no assertion criteria provided. Collection method: literature only. Allele origin: germline. Affected: yes. Observed: 1 homozygote. Study: Yale Center for Mendelian Genomics. Not counted in ClinVar's aggregate classification.

Literature cited by the submitters: PubMed 35753512 (cited by Women's Health and Genetics/Laboratory Corporation of America, LabCorp); PubMed 33956074 (cited by 3 submitters); PubMed 29382851 (cited by Women's Health and Genetics/Laboratory Corporation of America, LabCorp and OMIM).